The following is an entry in ClinVar:

ClinVar aggregate classification (germline): Conflicting classifications of pathogenicity. Review status: criteria provided, conflicting classifications (1 of 4 stars). 3 submissions from 3 submitters: Uncertain significance (2); Likely benign (1). Last evaluated 2025-12-16.

Conditions:
Hyperinsulinism-hyperammonemia syndrome (HHF6). Identifiers: Orphanet 35878, MedGen C1847555, MONDO:0011717, OMIM 606762.
Inborn genetic diseases. Identifiers: MedGen C0950123, MeSH D030342.

Allele frequency attached by ClinVar (database versions not stated): gnomAD exomes 0.00001; ExAC 0.00002; gnomAD 0.00006; TOPMed 0.00011.
gnomAD v4.1: 24 of 1,614,072 alleles (0.0015%); highest among the groups gnomAD compares: African/African-American, 0.028%; no homozygotes.

Submissions (3):

Ambry Genetics
Classification: Uncertain significance for Inborn genetic diseases. Last evaluated: 2025-12-16. Review status: criteria provided, single submitter. Criteria: Ambry Variant Classification Scheme 2023. Collection method: clinical testing. Allele origin: germline.

Women's Health and Genetics/Laboratory Corporation of America, LabCorp
Classification: Likely benign. Last evaluated: 2023-06-28. Review status: criteria provided, single submitter. Criteria: LabCorp Variant Classification Summary - May 2015. Collection method: clinical testing. Allele origin: germline.
Comment: Variant summary: GLUD1 c.1063C>T (p.His355Tyr) results in a conservative amino acid change located in the C-terminal domain (IPR006096) of the encoded protein sequence. Three of five in-silico tools predict a benign effect of the variant on protein function. The variant allele was found at a frequency of 3.5e-05 in 396240 control chromosomes, predominantly at a frequency of 0.00026 (i.e., 14 heterozygotes) within the African or African-American subpopulation in the gnomAD database. The observed variant frequency within African or African-American control individuals in the gnomAD database is approximately 416 fold of the estimated maximal expected allele frequency for a pathogenic variant in GLUD1 causing Congenital Hyperinsulinism phenotype (6.3e-07), strongly suggesting that the variant is a benign polymorphism found primarily in populations of African or African-American origin. To our knowledge, no occurrence of c.1063C>T in individuals affected with Congenital Hyperinsulinism and no experimental evidence demonstrating its impact on protein function have been reported. No submitters have cited clinical-significance assessments for this variant to ClinVar after 2014. Based on the evidence outlined above, the variant was classified as likely benign.

Institute of Human Genetics, University Hospital of Duesseldorf
Classification: Uncertain significance for Hyperinsulinism-hyperammonemia syndrome. Review status: criteria provided, single submitter. Criteria: ACMG Guidelines, 2015. Collection method: not provided. Allele origin: germline. Inheritance: Autosomal dominant inheritance. Affected: yes.

NM_005271.5(GLUD1):c.1063C>T (p.His355Tyr)

Gene: GLUD1 (glutamate dehydrogenase 1; minus strand). Cytogenetic location: 10q23.2.
Variant type: single nucleotide variant.
Coding change: c.1063C>T on transcript NM_005271.5 (MANE Select); coding-DNA position 1063, C replaced by T.
Protein change: p.His355Tyr; replaces histidine 355 with tyrosine.
Molecular consequence: missense variant.
Genome position (GRCh38, 1-based): chr10:87,060,822, G>A on the plus strand (C>T on the coding strand, the complement: GLUD1 is on the minus strand). VCF-style: chr10-87060822-G-A. GRCh37 (hg19) VCF-style: chr10-88820579-G-A.
Other names: c.1063C>T (NM_005271.3); c.664C>T, p.His222Tyr (NM_001318900.1); c.562C>T, p.His188Tyr (NM_001318901.1, NM_001318902.1, NM_001318904.2 and 2 more transcripts); short protein forms H188Y, H222Y, H355Y.
Identifiers: ClinVar variation 2573541 (VCV002573541.3), dbSNP rs752866323, ClinGen allele CA5587521.
Genomic context (GRCh38, chr10:87,060,822, plus strand): 5'-CGGCCTCCAAGATGCTTCCTTCATAGGGCTTTGCCTTGGGGAAGCCCAGAATGGACCCAT[G>A]TTGCTGCCATTGATTGAAAATCACAATTAATAGCTGCACCAGAGTTTTAAATATTTATAT-3'
Protein context (NP_005262.1, residues 345-365): PKELEDFKLQ[His355Tyr]GSILGFPKAK